The following is an entry in ClinVar:

ClinVar aggregate classification (germline): Likely benign (1 of 4 stars; one submission).

Allele frequency attached by ClinVar (database versions not stated): 1000 Genomes Project 0.00200; 1000 Genomes Project 30x 0.00234; TOPMed 0.00608; gnomAD 0.00690 and 0.00724.
gnomAD v4.1: 1,065 of 152,346 alleles (0.7%); highest among the groups gnomAD compares: Non-Finnish European, 0.93%; 12 homozygotes.

Submission:

GeneDx
Classification: Likely benign. Last evaluated: 2018-06-14. Review status: criteria provided, single submitter. Criteria: GeneDx Variant Classification (06012015). Collection method: clinical testing. Allele origin: germline. Affected: yes.
Comment: This variant is considered likely benign or benign based on one or more of the following criteria: it is a conservative change, it occurs at a poorly conserved position in the protein, it is predicted to be benign by multiple in silico algorithms, and/or has population frequency not consistent with disease.

NM_017617.5(NOTCH1):c.2468-287G>A

Gene: NOTCH1 (notch receptor 1; minus strand). Cytogenetic location: 9q34.3.
Variant type: single nucleotide variant.
Coding change: c.2468-287G>A on transcript NM_017617.5 (MANE Select); 287 bases into the intron before coding-DNA position 2468, G replaced by A.
Molecular consequence: intron variant.
Genome position (GRCh38, 1-based): chr9:136,511,558, C>T on the plus strand (G>A on the coding strand, the complement: NOTCH1 is on the minus strand). VCF-style: chr9-136511558-C-T. GRCh37 (hg19) VCF-style: chr9-139406010-C-T.
Identifiers: ClinVar variation 681258 (VCV000681258.1), dbSNP rs139672274, ClinGen allele CA13041486.